The following is an entry in ClinVar:

ClinVar aggregate classification (germline): Uncertain significance. Review status: criteria provided, multiple submitters, no conflicts (2 of 4 stars). 3 submissions from 3 submitters: Uncertain significance (2). 1 of the submissions does not count toward it. Last evaluated 2022-09-01.

Conditions:
Usher syndrome type 1 (USH1). Also called: RETINITIS PIGMENTOSA AND CONGENITAL DEAFNESS. Identifiers: Orphanet 231169, Orphanet 886, MedGen C1568247, MONDO:0010168, OMIM 276900.
Inborn genetic diseases. Identifiers: MedGen C0950123, MeSH D030342.

Allele frequency attached by ClinVar (database versions not stated): gnomAD 0.00003; gnomAD exomes 0.00002; ExAC 0.00002; TOPMed 0.00002.
gnomAD v4.1: 23 of 1,613,838 alleles (0.0014%); highest among the groups gnomAD compares: Non-Finnish European, 0.0017%; no homozygotes.

Submissions (3):

Labcorp Genetics (formerly Invitae), Labcorp
Classification: Uncertain significance. Last evaluated: 2022-09-01. Review status: criteria provided, single submitter. Criteria: Invitae Variant Classification Sherloc (09022015). Collection method: clinical testing. Allele origin: germline.
Comment: This sequence change replaces arginine, which is basic and polar, with cysteine, which is neutral and slightly polar, at codon 184 of the CDH23 protein (p.Arg184Cys). This variant is present in population databases (rs779468414, gnomAD 0.004%). This variant has not been reported in the literature in individuals affected with CDH23-related conditions. ClinVar contains an entry for this variant (Variation ID: 964168). Algorithms developed to predict the effect of missense changes on protein structure and function are either unavailable or do not agree on the potential impact of this missense change (SIFT: "Deleterious"; PolyPhen-2: "Not Available"; Align-GVGD: "Class C0"). In summary, the available evidence is currently insufficient to determine the role of this variant in disease. Therefore, it has been classified as a Variant of Uncertain Significance.

Ambry Genetics
Classification: Uncertain significance for Inborn genetic diseases. Last evaluated: 2021-08-02. Review status: criteria provided, single submitter. Criteria: Ambry Variant Classification Scheme 2023. Collection method: clinical testing. Allele origin: germline.

Natera, Inc.
Classification: Uncertain significance for Usher syndrome type 1. Last evaluated: 2020-09-11. Review status: no assertion criteria provided. Collection method: clinical testing. Allele origin: germline. Not counted in ClinVar's aggregate classification.

NM_022124.6(CDH23):c.550C>T (p.Arg184Cys)

Gene: CDH23 (cadherin related 23; plus strand). Cytogenetic location: 10q22.1.
Variant type: single nucleotide variant.
Coding change: c.550C>T on transcript NM_022124.6 (MANE Select); coding-DNA position 550, C replaced by T.
Protein change: p.Arg184Cys; replaces arginine 184 with cysteine.
Molecular consequence: missense variant.
Genome position (GRCh38, 1-based): chr10:71,566,862, C>T. VCF-style: chr10-71566862-C-T. GRCh37 (hg19) VCF-style: chr10-73326619-C-T.
Other names: c.550C>T, p.Arg184Cys (NM_001171930.2, NM_001171931.2, NM_001171932.2 and 1 more transcripts); short protein forms R184C.
Identifiers: ClinVar variation 964168 (VCV000964168.5), dbSNP rs779468414, ClinGen allele CA5543469.
Genomic context (GRCh38, chr10:71,566,862, plus strand): 5'-GGGGGCAGCGTCCTCTACTCCTTCCAGCCCCCCTCCCAATTCTTCGCCATTGACAGCGCC[C>T]GCGGTATCGTCACAGTGATCCGGGAGCTGGACTACGAGACCACACAGGCCTACCAGCTCA-3'
Protein context (NP_071407.4, residues 174-194): PSQFFAIDSA[Arg184Cys]GIVTVIRELD